The following is an entry in ClinVar:

ClinVar aggregate classification (germline): Benign (1 of 4 stars; one submission).

Conditions:
Leigh syndrome (NULS). Also called: Leigh's necrotizing encephalopathy; Leigh's disease; Leigh Syndrome (mtDNA deletion); Leigh Disease; Subacute necrotizing encephalopathy; Necrotizing encephalopathy infantile subacute of Leigh. Identifiers: Orphanet 506, MedGen C2931891, MONDO:0009723, OMIM 256000.

Submission:

Wong Mito Lab, Molecular and Human Genetics, Baylor College of Medicine
Classification: Benign for Leigh syndrome. Last evaluated: 2019-10-17. Review status: criteria provided, single submitter. Criteria: Modified ACMG Guidelines (Unpublished). Collection method: clinical testing. Allele origin: germline.
Comment: The NC_012920.1:m.12961A>G (YP_003024036.1:p.Ser209Gly) variant in MTND5 gene is interpretated to be a Benign variant based on the modified ACMG guidelines (unpublished). This variant meets the following evidence codes: BS1, BS2, BP4

NC_012920.1(MT-ND5):m.12961A>G

Gene: MT-ND5 (mitochondrially encoded NADH dehydrogenase 5; plus strand).
Variant type: single nucleotide variant.
Genome position: chrM-12961-A-G.
Identifiers: ClinVar variation 693507 (VCV000693507.1), dbSNP rs386829171, ClinGen allele CA337099588.
Genomic context (GRCh38, chrMT:12,961, plus strand): 5'-TTTATCCTACACTCCAACTCATGAGACCCACAACAAATAGCCCTTCTAAACGCTAATCCA[A>G]GCCTCACCCCACTACTAGGCCTCCTCCTAGCAGCAGCAGGCAAATCAGCCCAATTAGGTC-3'